The following is an entry in ClinVar:

ClinVar aggregate classification (germline): Likely benign. Review status: criteria provided, single submitter (1 of 4 stars). 2 submissions from 2 submitters: Likely benign (1). 1 of the submissions does not count toward it. Last evaluated 2025-08-15.

Conditions:
Epilepsy, childhood absence, susceptibility to, 1. Also called: Epilepsy, childhood absence 1. Identifiers: Orphanet 64280, MedGen C1838604, MONDO:0020759, OMIM 600131.
Epilepsy, childhood absence, susceptibility to, 5. Identifiers: Orphanet 64280, MedGen C2677087, MONDO:0012843, OMIM 612269.
GABRB3-related disorder. Also called: GABRB3-related condition.

Allele frequency attached by ClinVar (database versions not stated): gnomAD exomes 0.00006 and 0.00002; gnomAD 0.00024 and 0.00021; 1000 Genomes Project 30x 0.00031; ESP Exome Variant Server 0.00038; TOPMed 0.00026; 1000 Genomes Project 0.00040; ExAC 0.00009.
gnomAD v4.1: 66 of 1,609,668 alleles (0.0041%); highest among the groups gnomAD compares: African/African-American, 0.083%; no homozygotes.

Submissions (2):

Labcorp Genetics (formerly Invitae), Labcorp
Classification: Likely benign for Epilepsy, childhood absence, susceptibility to, 5; Epilepsy, childhood absence, susceptibility to, 1. Last evaluated: 2025-08-15. Review status: criteria provided, single submitter. Criteria: Invitae Variant Classification Sherloc (09022015). Collection method: clinical testing. Allele origin: germline.

PreventionGenetics, part of Exact Sciences
Classification: Likely benign for GABRB3-related condition. Last evaluated: 2020-06-25. Review status: no assertion criteria provided. Collection method: clinical testing. Allele origin: germline. Not counted in ClinVar's aggregate classification.
Comment: This variant is classified as likely benign based on ACMG/AMP sequence variant interpretation guidelines (Richards et al. 2015 PMID: 25741868, with internal and published modifications).

NM_000814.6(GABRB3):c.231A>G (p.Glu77=)

Gene: GABRB3 (gamma-aminobutyric acid type A receptor subunit beta3; minus strand). Cytogenetic location: 15q12.
Variant type: single nucleotide variant.
Coding change: c.231A>G on transcript NM_000814.6 (MANE Select); coding-DNA position 231, A replaced by G.
Protein change: p.Glu77=; no amino-acid change (glutamic acid 77 retained).
Molecular consequence: synonymous variant. On other transcripts: 5 prime UTR variant (1).
Genome position (GRCh38, 1-based): chr15:26,772,411, T>C on the plus strand (A>G on the coding strand, the complement: GABRB3 is on the minus strand). VCF-style: chr15-26772411-T-C. GRCh37 (hg19) VCF-style: chr15-27017558-T-C.
Other names: c.231A>G, p.Glu77= (NM_021912.5); c.-121A>G (NM_001278631.2).
Identifiers: ClinVar variation 700443 (VCV000700443.13), dbSNP rs151221282, ClinGen allele CA7437511.